The following is an entry in ClinVar:

ClinVar aggregate classification (germline): Uncertain significance. Review status: criteria provided, multiple submitters, no conflicts (2 of 4 stars). 2 submissions from 2 submitters: Uncertain significance (2). Last evaluated 2025-07-15.

Conditions:
Inborn genetic diseases. Identifiers: MedGen C0950123, MeSH D030342.

Allele frequency attached by ClinVar (database versions not stated): ExAC 0.00003; gnomAD 0.00005; gnomAD exomes 0.00006 and 0.00046; TOPMed 0.00006.
gnomAD v4.1: 663 of 1,613,730 alleles (0.041%); highest among the groups gnomAD compares: Non-Finnish European, 0.055%; 2 homozygotes.

Submissions (2):

Ambry Genetics
Classification: Uncertain significance for Inborn genetic diseases. Last evaluated: 2025-07-15. Review status: criteria provided, single submitter. Criteria: Ambry Variant Classification Scheme 2023. Collection method: clinical testing. Allele origin: germline.

Labcorp Genetics (formerly Invitae), Labcorp
Classification: Uncertain significance. Last evaluated: 2024-06-11. Review status: criteria provided, single submitter. Criteria: Invitae Variant Classification Sherloc (09022015). Collection method: clinical testing. Allele origin: germline.
Comment: This sequence change replaces lysine, which is basic and polar, with arginine, which is basic and polar, at codon 942 of the ADCY1 protein (p.Lys942Arg). This variant is present in population databases (rs750641131, gnomAD 0.01%). This variant has not been reported in the literature in individuals affected with ADCY1-related conditions. ClinVar contains an entry for this variant (Variation ID: 1382118). Advanced modeling of protein sequence and biophysical properties (such as structural, functional, and spatial information, amino acid conservation, physicochemical variation, residue mobility, and thermodynamic stability) performed at Invitae indicates that this missense variant is not expected to disrupt ADCY1 protein function with a negative predictive value of 80%. In summary, the available evidence is currently insufficient to determine the role of this variant in disease. Therefore, it has been classified as a Variant of Uncertain Significance.

NM_021116.4(ADCY1):c.2825A>G (p.Lys942Arg)

Gene: ADCY1 (adenylate cyclase 1; plus strand). Cytogenetic location: 7p12.3.
Variant type: single nucleotide variant.
Coding change: c.2825A>G on transcript NM_021116.4 (MANE Select); coding-DNA position 2825, A replaced by G.
Protein change: p.Lys942Arg; replaces lysine 942 with arginine.
Molecular consequence: missense variant.
Genome position (GRCh38, 1-based): chr7:45,708,357, A>G. VCF-style: chr7-45708357-A-G. GRCh37 (hg19) VCF-style: chr7-45747956-A-G.
Other names: c.2825A>G (NM_021116.2); short protein forms K942R.
Identifiers: ClinVar variation 1382118 (VCV001382118.10), dbSNP rs750641131, ClinGen allele CA4249372.
Genomic context (GRCh38, chr7:45,708,357, plus strand): 5'-CCCCTCTTGCCTTGCACTCCCCAGATGTAATGACCCCATCTGTTTACACCTAGGCTAAGA[A>G]GTCCATCTCCTCCCACCTGAGCACGCTGGCGGACTTTGCCATTGAGATGTTTGACGTTCT-3'
Protein context (NP_066939.1, residues 932-952): LAPTSGTKAK[Lys942Arg]SISSHLSTLA